The following is an entry in ClinVar:

NC_000017.10:g.(?_17116969)_(17129656_?)dup

Gene: FLCN (folliculin; minus strand). Cytogenetic location: 17p11.2.
Variant type: Duplication.
Identifiers: ClinVar variation 3242952 (VCV003242952.1).

ClinVar aggregate classification (germline): Uncertain significance (1 of 4 stars; one submission).

Conditions:
Birt-Hogg-Dube syndrome. Also called: Birt Hogg Dubé syndrome. Identifiers: Orphanet 122, MedGen C0346010, MONDO:0800444.

Submission:

Labcorp Genetics (formerly Invitae), Labcorp
Classification: Uncertain significance for Birt-Hogg-Dube syndrome. Last evaluated: 2023-12-08. Review status: criteria provided, single submitter. Criteria: Invitae Variant Classification Sherloc (09022015). Collection method: clinical testing. Allele origin: unknown.
Comment: This variant results in a copy number gain of the genomic region encompassing exon(s) 5-14 of the FLCN gene. This region includes the termination codon of the gene. This copy number gain extends beyond the assayed region for this gene and therefore may encompass additional genes. As the precise location of this event is unknown, it may be in tandem or it may be located elsewhere in the genome. This variant has not been reported in the literature in individuals affected with FLCN-related conditions. Experimental studies and prediction algorithms are not available or were not evaluated, and the functional significance of this variant is currently unknown. In summary, the available evidence is currently insufficient to determine the role of this variant in disease. Therefore, it has been classified as a Variant of Uncertain Significance.